The following is an entry in ClinVar:

NM_033380.3(COL4A5):c.1922del (p.Gly641fs)

Gene: COL4A5 (collagen type IV alpha 5 chain; plus strand). Cytogenetic location: Xq22.3.
Variant type: Deletion.
Coding change: c.1922del on transcript NM_033380.3 (MANE Select); coding-DNA position 1922, one base deleted (G; older notation c.1922delG).
Protein change: p.Gly641fs; shifts the reading frame from glycine 641.
Molecular consequence: frameshift variant.
Genome position (GRCh38, 1-based): chrX:108,598,844, G deleted; the last of 2 consecutive G bases (chrX:108,598,843-108,598,844); deleting either gives the same sequence. VCF-style (leftmost placement, unchanged base first): chrX-108598842-AG-A. GRCh37 (hg19) VCF-style: chrX-107842072-AG-A.
Other names: c.1922del, p.Gly641fs (NM_000495.5); short protein forms G641fs.
Identifiers: ClinVar variation 2814877 (VCV002814877.3), dbSNP rs2524315244, ClinGen allele CA2739273705.
Genomic context (GRCh38, chrX:108,598,842, plus strand): 5'-GGGTCCCCCTGGTTTCGGCCCTCCAGGCCCAGTAGGTGAAAAAGGCATACAAGGTGTGGC[AG>A]GAAATCCAGGCCAGCCAGGAATACCAGGTAAGTTTACTGTGTTTTGTTTTAAACTTGGTG-3'

ClinVar aggregate classification (germline): Pathogenic (1 of 4 stars; one submission).

Submission:

Labcorp Genetics (formerly Invitae), Labcorp
Classification: Pathogenic. Last evaluated: 2023-01-09. Review status: criteria provided, single submitter. Criteria: Invitae Variant Classification Sherloc (09022015). Collection method: clinical testing. Allele origin: germline.
Comment: For these reasons, this variant has been classified as Pathogenic. This variant has not been reported in the literature in individuals affected with COL4A5-related conditions. This variant is not present in population databases (gnomAD no frequency). This sequence change creates a premature translational stop signal (p.Gly641Glufs*19) in the COL4A5 gene. It is expected to result in an absent or disrupted protein product. Loss-of-function variants in COL4A5 are known to be pathogenic (PMID: 9195222, 10752524, 14514738, 24854265, 26809805).

Literature cited by the submitters: PubMed 9195222; PubMed 10752524; PubMed 14514738; PubMed 24854265; PubMed 26809805.